The following is an entry in ClinVar:

NM_000138.5(FBN1):c.3020T>G (p.Leu1007Arg)

Gene: FBN1 (fibrillin 1; minus strand). Cytogenetic location: 15q21.1.
Variant type: single nucleotide variant.
Coding change: c.3020T>G on transcript NM_000138.5 (MANE Select); coding-DNA position 3020, T replaced by G.
Protein change: p.Leu1007Arg; replaces leucine 1007 with arginine.
Molecular consequence: missense variant.
Genome position (GRCh38, 1-based): chr15:48,489,913, A>C on the plus strand (T>G on the coding strand, the complement: FBN1 is on the minus strand). VCF-style: chr15-48489913-A-C. GRCh37 (hg19) VCF-style: chr15-48782110-A-C.
Other names: p.L1007R:CTG>CGG; short protein forms L1007R.
Identifiers: ClinVar variation 200010 (VCV000200010.19), dbSNP rs794728200, ClinGen allele CA013662.
Genomic context (GRCh38, chr15:48,489,913, plus strand): 5'-TTGAAGAAAGGCTTTCCATTTGTAATTTCTTTTGTGGCAAATCCGGGTCCTCTCGGACAC[A>C]GCTCCTCGTACTCAGGAGTATTTCTCATGGGACACTCCTCGCATTCCTCAGTACCCCAGG-3'
Protein context (NP_000129.3, residues 997-1017): PMRNTPEYEE[Leu1007Arg]CPRGPGFATK

ClinVar aggregate classification (germline): Uncertain significance. Review status: criteria provided, multiple submitters, no conflicts (2 of 4 stars). 7 submissions from 7 submitters: Uncertain significance (7). Last evaluated 2026-04-02.

Conditions:
Marfan syndrome (MFS). Also called: Marfan syndrome, classic; FBN1-Related Marfan Syndrome; Marfan syndrome type 1; Marfan's syndrome; MARFAN SYNDROME, TYPE I. Identifiers: Orphanet 284963, Orphanet 558, MedGen C0024796, MONDO:0007947, OMIM 154700.
Familial thoracic aortic aneurysm and aortic dissection (TAAD). Also called: Thoracic aortic aneurysms and dissections. Identifiers: Orphanet 91387, MedGen C4707243, MONDO:0019625.

Allele frequency attached by ClinVar (database versions not stated): gnomAD exomes 0.00001.
gnomAD v4.1: 5 of 1,614,216 alleles (0.00031%); highest among the groups gnomAD compares: Non-Finnish European, 0.00042%; no homozygotes.

Submissions (7):

Women's Health and Genetics/Laboratory Corporation of America, LabCorp
Classification: Uncertain significance. Last evaluated: 2026-04-02. Review status: criteria provided, single submitter. Criteria: LabCorp Variant Classification Summary - May 2015. Collection method: clinical testing. Allele origin: germline.
Comment: Variant summary: FBN1 c.3020T>G (p.Leu1007Arg) results in a non-conservative amino acid change located in the TB domain (IPR017878) of the encoded protein sequence. Algorithms developed to predict the effect of missense changes on protein structure and function all suggest that this variant is likely to be disruptive. The variant was absent in 251456 control chromosomes. The available data on variant occurrences in the general population are insufficient to allow any conclusion about variant significance. To our knowledge, no occurrence of c.3020T>G in individuals affected with FBN1-related conditions and no experimental evidence demonstrating its impact on protein function have been reported. ClinVar contains an entry for this variant (Variation ID: 200010). Based on the evidence outlined above, the variant was classified as uncertain significance.

Color Diagnostics, LLC DBA Color Health
Classification: Uncertain significance for Familial thoracic aortic aneurysm and aortic dissection. Last evaluated: 2025-07-02. Review status: criteria provided, single submitter. Criteria: ACMG Guidelines, 2015. Collection method: clinical testing. Allele origin: germline.
Comment: This missense variant replaces leucine with arginine at codon 1007 of the FBN1 protein. Computational prediction suggests that this variant may have a deleterious impact on protein structure and function. To our knowledge, functional studies have not been reported for this variant. This variant has not been reported in individuals affected with FBN1-related disorders in the literature. This variant has not been identified in the general population by the Genome Aggregation Database (gnomAD). The available evidence is insufficient to determine the role of this variant in disease conclusively. Therefore, this variant is classified as a Variant of Uncertain Significance.

Labcorp Genetics (formerly Invitae), Labcorp
Classification: Uncertain significance for Marfan syndrome; Familial thoracic aortic aneurysm and aortic dissection. Last evaluated: 2024-12-23. Review status: criteria provided, single submitter. Criteria: Invitae Variant Classification Sherloc (09022015). Collection method: clinical testing. Allele origin: germline.
Comment: This sequence change replaces leucine, which is neutral and non-polar, with arginine, which is basic and polar, at codon 1007 of the FBN1 protein (p.Leu1007Arg). This variant is not present in population databases (gnomAD no frequency). This variant has not been reported in the literature in individuals affected with FBN1-related conditions. ClinVar contains an entry for this variant (Variation ID: 200010). Invitae Evidence Modeling of protein sequence and biophysical properties (such as structural, functional, and spatial information, amino acid conservation, physicochemical variation, residue mobility, and thermodynamic stability) indicates that this missense variant is expected to disrupt FBN1 protein function with a positive predictive value of 95%. In summary, the available evidence is currently insufficient to determine the role of this variant in disease. Therefore, it has been classified as a Variant of Uncertain Significance.

GeneDx
Classification: Uncertain significance. Last evaluated: 2024-06-10. Review status: criteria provided, single submitter. Criteria: GeneDx Variant Classification Process June 2021. Collection method: clinical testing. Allele origin: germline. Affected: yes.
Comment: In silico analysis supports that this missense variant has a deleterious effect on protein structure/function; Has not been previously published as pathogenic or benign to our knowledge; Not observed in large population cohorts (gnomAD); Although located in a TGF-binding protein domain (aka TB domain or 8-Cysteine domain), it does not affect a cysteine residue within this domain; other missense substitutions that affect cysteine residues within this TGF-binding protein domain have been reported in association with various FBN1-related phenotypes (HGMD)

Ambry Genetics
Classification: Uncertain significance for Familial thoracic aortic aneurysm and aortic dissection. Last evaluated: 2024-01-08. Review status: criteria provided, single submitter. Criteria: Ambry Variant Classification Scheme 2023. Collection method: clinical testing. Allele origin: germline.
Comment: The p.L1007R variant (also known as c.3020T>G), located in coding exon 24 of the FBN1 gene, results from a T to G substitution at nucleotide position 3020. The leucine at codon 1007 is replaced by arginine, an amino acid with dissimilar properties. This amino acid position is highly conserved in available vertebrate species. In addition, this alteration is predicted to be deleterious by in silico analysis. Since supporting evidence is limited at this time, the clinical significance of this alteration remains unclear.

Blueprint Genetics
Classification: Uncertain significance. Last evaluated: 2023-12-04. Review status: criteria provided, single submitter. Criteria: ACMG Guidelines, 2015. Collection method: clinical testing. Allele origin: germline.

All of Us Research Program, National Institutes of Health
Classification: Uncertain significance for Marfan syndrome. Last evaluated: 2023-02-24. Review status: criteria provided, single submitter. Criteria: ACMG Guidelines, 2015. Collection method: clinical testing. Allele origin: germline. Inheritance: Autosomal dominant inheritance. Observed: 1 variant allele, 1 heterozygote.
Comment: This missense variant replaces leucine with arginine at codon 1007 of the FBN1 protein. Computational prediction suggests that this variant may have deleterious impact on protein structure and function (internally defined REVEL score threshold >= 0.7, PMID: 27666373). To our knowledge, functional studies have not been reported for this variant. This variant has not been reported in individuals affected with cardiovascular disorders in the literature. This variant has not been identified in the general population by the Genome Aggregation Database (gnomAD). The available evidence is insufficient to determine the role of this variant in disease conclusively. Therefore, this variant is classified as a Variant of Uncertain Significance.

This study involves interpretation of variants in research participants for the purpose of population health screening. Participant phenotype was not available at the time of variant classification. Additional details can be found in publication PMID: 35346344, PMCID: PMC8962531